The following is an entry in ClinVar:

ClinVar aggregate classification (germline): Likely benign. Review status: criteria provided, multiple submitters, no conflicts (2 of 4 stars). 3 submissions from 3 submitters: Likely benign (3). Last evaluated 2025-12-01.

Conditions:
Inborn genetic diseases. Identifiers: MedGen C0950123, MeSH D030342.
Brunner syndrome (BRNRS). Identifiers: Orphanet 3057, MedGen C0796275, MONDO:0010379, OMIM 300615.

Allele frequency attached by ClinVar (database versions not stated): gnomAD 0.00007; gnomAD exomes 0.00008; ESP Exome Variant Server 0.00009; TOPMed 0.00010; ExAC 0.00017.
gnomAD v4.1: 96 of 1,208,691 alleles (0.0079%); highest among the groups gnomAD compares: Admixed American, 0.013%; no homozygotes.

Submissions (3):

Labcorp Genetics (formerly Invitae), Labcorp
Classification: Likely benign for Brunner syndrome. Last evaluated: 2025-12-01. Review status: criteria provided, single submitter. Criteria: Invitae Variant Classification Sherloc (09022015). Collection method: clinical testing. Allele origin: germline.

CeGaT Center for Human Genetics Tuebingen
Classification: Likely benign. Last evaluated: 2025-11-01. Review status: criteria provided, single submitter. Criteria: CeGaT Center For Human Genetics Tuebingen Variant Classification Criteria Version 2. Collection method: clinical testing. Allele origin: germline. Affected: yes. Observed: 1 variant allele.
Comment: MAOA: BP4, BP7, BS2

Ambry Genetics
Classification: Likely benign for Inborn genetic diseases. Last evaluated: 2019-10-23. Review status: criteria provided, single submitter. Criteria: Ambry Variant Classification Scheme 2023. Collection method: clinical testing. Allele origin: germline.

NM_000240.4(MAOA):c.1449G>A (p.Ala483=)

Gene: MAOA (monoamine oxidase A; plus strand). Cytogenetic location: Xp11.3.
Variant type: single nucleotide variant.
Coding change: c.1449G>A on transcript NM_000240.4 (MANE Select); coding-DNA position 1449, G replaced by A.
Protein change: p.Ala483=; no amino-acid change (alanine 483 retained).
Molecular consequence: synonymous variant.
Genome position (GRCh38, 1-based): chrX:43,744,378, G>A. VCF-style: chrX-43744378-G-A. GRCh37 (hg19) VCF-style: chrX-43603625-G-A.
Other names: c.1050G>A, p.Ala350= (NM_001270458.2).
Identifiers: ClinVar variation 1772862 (VCV001772862.11), dbSNP rs377306596, ClinGen allele CA10390998.